The following is an entry in ClinVar:

ClinVar aggregate classification (germline): Uncertain significance (1 of 4 stars; one submission).

Conditions:
Familial thoracic aortic aneurysm and aortic dissection (TAAD). Also called: Thoracic aortic aneurysms and dissections. Identifiers: Orphanet 91387, MedGen C4707243, MONDO:0019625.

Allele frequency attached by ClinVar (database versions not stated): gnomAD exomes below 0.00001.

Submission:

Ambry Genetics
Classification: Uncertain significance for Familial thoracic aortic aneurysm and aortic dissection. Last evaluated: 2022-04-25. Review status: criteria provided, single submitter. Criteria: Ambry Variant Classification Scheme 2023. Collection method: clinical testing. Allele origin: germline.
Comment: The p.G522C variant (also known as c.1564G>T), located in coding exon 5 of the SLC2A10 gene, results from a G to T substitution at nucleotide position 1564. The glycine at codon 522 is replaced by cysteine, an amino acid with highly dissimilar properties. This amino acid position is conserved. In addition, this alteration is predicted to be tolerated by in silico analysis. Since supporting evidence is limited at this time, the clinical significance of this alteration remains unclear.

NM_030777.4(SLC2A10):c.1564G>T (p.Gly522Cys)

Gene: SLC2A10 (solute carrier family 2 member 10; plus strand). Cytogenetic location: 20q13.12.
Variant type: single nucleotide variant.
Coding change: c.1564G>T on transcript NM_030777.4 (MANE Select); coding-DNA position 1564, G replaced by T.
Protein change: p.Gly522Cys; replaces glycine 522 with cysteine.
Molecular consequence: missense variant.
Genome position (GRCh38, 1-based): chr20:46,733,772, G>T. VCF-style: chr20-46733772-G-T. GRCh37 (hg19) VCF-style: chr20-45362411-G-T.
Other names: short protein forms G522C.
Identifiers: ClinVar variation 1775344 (VCV001775344.2), dbSNP rs1980420933, ClinGen allele CA409274620.